The following is an entry in ClinVar:

NM_021625.5(TRPV4):c.1552C>T (p.Leu518Phe)

Gene: TRPV4 (transient receptor potential cation channel subfamily V member 4; minus strand). Cytogenetic location: 12q24.11.
Variant type: single nucleotide variant.
Coding change: c.1552C>T on transcript NM_021625.5 (MANE Select); coding-DNA position 1552, C replaced by T.
Protein change: p.Leu518Phe; replaces leucine 518 with phenylalanine.
Molecular consequence: missense variant.
Genome position (GRCh38, 1-based): chr12:109,793,962, G>A on the plus strand (C>T on the coding strand, the complement: TRPV4 is on the minus strand). VCF-style: chr12-109793962-G-A. GRCh37 (hg19) VCF-style: chr12-110231767-G-A.
Other names: c.1411C>T, p.Leu471Phe (NM_001177428.2); c.1450C>T, p.Leu484Phe (NM_001177431.2); c.1231C>T, p.Leu411Phe (NM_001177433.2); c.1372C>T, p.Leu458Phe (NM_147204.3); short protein forms L471F, L411F, L518F, L458F, L484F.
Identifiers: ClinVar variation 1391823 (VCV001391823.9), dbSNP rs2136479469, ClinGen allele CA386652009.

ClinVar aggregate classification (germline): Uncertain significance. Review status: criteria provided, multiple submitters, no conflicts (2 of 4 stars). 2 submissions from 2 submitters: Uncertain significance (2). Last evaluated 2025-03-03.

Conditions:
Charcot-Marie-Tooth disease axonal type 2C (HMSN2C). Also called: CHARCOT-MARIE-TOOTH DISEASE, AXONAL, AUTOSOMAL DOMINANT, TYPE 2C; Charcot-Marie-Tooth Neuropathy Type 2C; Charcot-Marie-Tooth Disease Type 2, TRPV4-Related (CMT2C). Identifiers: Orphanet 99937, MedGen C1853710, MONDO:0011633, OMIM 606071.
Inborn genetic diseases. Identifiers: MedGen C0950123, MeSH D030342.

Submissions (2):

Ambry Genetics
Classification: Uncertain significance for Inborn genetic diseases. Last evaluated: 2025-03-03. Review status: criteria provided, single submitter. Criteria: Ambry Variant Classification Scheme 2023. Collection method: clinical testing. Allele origin: germline.

Labcorp Genetics (formerly Invitae), Labcorp
Classification: Uncertain significance for Charcot-Marie-Tooth disease axonal type 2C. Last evaluated: 2021-03-15. Review status: criteria provided, single submitter. Criteria: Invitae Variant Classification Sherloc (09022015). Collection method: clinical testing. Allele origin: germline.
Comment: In summary, the available evidence is currently insufficient to determine the role of this variant in disease. Therefore, it has been classified as a Variant of Uncertain Significance. Advanced modeling of protein sequence and biophysical properties (such as structural, functional, and spatial information, amino acid conservation, physicochemical variation, residue mobility, and thermodynamic stability) performed at Invitae indicates that this missense variant is not expected to disrupt TRPV4 protein function. This variant has not been reported in the literature in individuals with TRPV4-related conditions. This variant is not present in population databases (ExAC no frequency). This sequence change replaces leucine with phenylalanine at codon 518 of the TRPV4 protein (p.Leu518Phe). The leucine residue is moderately conserved and there is a small physicochemical difference between leucine and phenylalanine.